The following is an entry in ClinVar:

ClinVar aggregate classification (germline): Uncertain significance. Review status: criteria provided, multiple submitters, no conflicts (2 of 4 stars). 2 submissions from 2 submitters: Uncertain significance (2). Last evaluated 2023-04-17.

Conditions:
Noonan syndrome 9 (NS9). Identifiers: Orphanet 648, MedGen C4225282, MONDO:0014691, OMIM 616559.

Submissions (2):

GeneDx
Classification: Uncertain significance. Last evaluated: 2023-04-17. Review status: criteria provided, single submitter. Criteria: GeneDx Variant Classification Process June 2021. Collection method: clinical testing. Allele origin: germline. Affected: yes.
Comment: Not observed at significant frequency in large population cohorts (gnomAD); In silico analysis supports that this missense variant does not alter protein structure/function; Has not been previously published as pathogenic or benign to our knowledge

Labcorp Genetics (formerly Invitae), Labcorp
Classification: Uncertain significance for Noonan syndrome 9. Last evaluated: 2020-10-07. Review status: criteria provided, single submitter. Criteria: Invitae Variant Classification Sherloc (09022015). Collection method: clinical testing. Allele origin: germline.
Comment: This sequence change replaces leucine with phenylalanine at codon 1319 of the SOS2 protein (p.Leu1319Phe). The leucine residue is moderately conserved and there is a small physicochemical difference between leucine and phenylalanine. In summary, the available evidence is currently insufficient to determine the role of this variant in disease. Therefore, it has been classified as a Variant of Uncertain Significance. Advanced modeling of protein sequence and biophysical properties (such as structural, functional, and spatial information, amino acid conservation, physicochemical variation, residue mobility, and thermodynamic stability) performed at Invitae indicates that this missense variant is not expected to disrupt SOS2 protein function. This variant has not been reported in the literature in individuals with SOS2-related conditions. This variant is not present in population databases (ExAC no frequency).

NM_006939.4(SOS2):c.3957G>T (p.Leu1319Phe)

Gene: SOS2 (SOS Ras/Rho guanine nucleotide exchange factor 2; minus strand). Cytogenetic location: 14q21.3.
Variant type: single nucleotide variant.
Coding change: c.3957G>T on transcript NM_006939.4 (MANE Select); coding-DNA position 3957, G replaced by T.
Protein change: p.Leu1319Phe; replaces leucine 1319 with phenylalanine.
Molecular consequence: missense variant.
Genome position (GRCh38, 1-based): chr14:50,118,386, C>A on the plus strand (G>T on the coding strand, the complement: SOS2 is on the minus strand). VCF-style: chr14-50118386-C-A. GRCh37 (hg19) VCF-style: chr14-50585104-C-A.
Other names: c.3957G>T (NM_006939.2); short protein forms L1319F.
Identifiers: ClinVar variation 1063333 (VCV001063333.9), dbSNP rs2139462748, ClinGen allele CA389636794.